The following is an entry in ClinVar:

ClinVar aggregate classification (germline): Uncertain significance (1 of 4 stars; one submission).

gnomAD v4.1: 6 of 1,611,830 alleles (0.00037%); highest among the groups gnomAD compares: Non-Finnish European, 0.00051%; no homozygotes.

Submission:

Labcorp Genetics (formerly Invitae), Labcorp
Classification: Uncertain significance. Last evaluated: 2024-05-23. Review status: criteria provided, single submitter. Criteria: Invitae Variant Classification Sherloc (09022015). Collection method: clinical testing. Allele origin: germline.
Comment: This sequence change replaces valine, which is neutral and non-polar, with phenylalanine, which is neutral and non-polar, at codon 212 of the AK7 protein (p.Val212Phe). This variant is present in population databases (rs757826277, gnomAD 0.0009%). This variant has not been reported in the literature in individuals affected with AK7-related conditions. Advanced modeling of protein sequence and biophysical properties (such as structural, functional, and spatial information, amino acid conservation, physicochemical variation, residue mobility, and thermodynamic stability) performed at Invitae indicates that this missense variant is not expected to disrupt AK7 protein function with a negative predictive value of 80%. In summary, the available evidence is currently insufficient to determine the role of this variant in disease. Therefore, it has been classified as a Variant of Uncertain Significance.

NM_152327.5(AK7):c.634G>T (p.Val212Phe)

Gene: AK7 (adenylate kinase 7; plus strand). Cytogenetic location: 14q32.2.
Variant type: single nucleotide variant.
Coding change: c.634G>T on transcript NM_152327.5 (MANE Select); coding-DNA position 634, G replaced by T.
Protein change: p.Val212Phe; replaces valine 212 with phenylalanine.
Molecular consequence: missense variant.
Genome position (GRCh38, 1-based): chr14:96,437,859, G>T. VCF-style: chr14-96437859-G-T. GRCh37 (hg19) VCF-style: chr14-96904196-G-T.
Other names: c.634G>T, p.Val212Phe (NM_001350888.2, NM_001350890.2, NM_001350891.2 and 1 more transcripts); short protein forms V212F.
Identifiers: ClinVar variation 3710861 (VCV003710861.2).
Genomic context (GRCh38, chr14:96,437,859, plus strand): 5'-ACATCCAGCTTTTTTTTTCTGTATTTTATCTAATAGGCCAGAAAATTTGCAGCATACGTA[G>T]TTGCTGCTGGACTCCAGTATGGAGCGGAAGGAGGCATGTTACACACATTTTTTAAGGTAT-3'
Protein context (NP_689540.2, residues 202-222): KKARKFAAYV[Val212Phe]AAGLQYGAEG